The following is an entry in ClinVar:

ClinVar aggregate classification (germline): Uncertain significance. Review status: criteria provided, multiple submitters, no conflicts (2 of 4 stars). 3 submissions from 3 submitters: Uncertain significance (2). 1 of the submissions does not count toward it. Last evaluated 2022-03-31.

Conditions:
Epidermolysis bullosa simplex 3, localized or generalized intermediate, with BP230 deficiency (EBS3). Also called: Epidermolysis bullosa simplex due to BP230 deficiency; Epidermolysis bullosa simplex, autosomal recessive 2. Identifiers: Orphanet 412181, MedGen C3809470, MONDO:0014180, OMIM 615425.
Hereditary sensory and autonomic neuropathy type 6. Also called: HSAN VI; Neuropathy, hereditary sensory and autonomic, type VI. Identifiers: Orphanet 314381, MedGen C3539003, MONDO:0013839, OMIM 614653.

Allele frequency attached by ClinVar (database versions not stated): gnomAD exomes 0.00001.
gnomAD v4.1: 21 of 1,613,906 alleles (0.0013%); highest among the groups gnomAD compares: Non-Finnish European, 0.0018%; no homozygotes.

Submissions (3):

Labcorp Genetics (formerly Invitae), Labcorp
Classification: Uncertain significance for Epidermolysis bullosa simplex 3, localized or generalized intermediate, with BP230 deficiency; Hereditary sensory and autonomic neuropathy type 6. Last evaluated: 2022-03-31. Review status: criteria provided, single submitter. Criteria: Invitae Variant Classification Sherloc (09022015). Collection method: clinical testing. Allele origin: germline.
Comment: In summary, the available evidence is currently insufficient to determine the role of this variant in disease. Therefore, it has been classified as a Variant of Uncertain Significance. Experimental studies and prediction algorithms are not available or were not evaluated, and the functional significance of this variant is currently unknown. ClinVar contains an entry for this variant (Variation ID: 522339). This variant has not been reported in the literature in individuals affected with DST-related conditions. This variant is present in population databases (no rsID available, gnomAD 0.0009%). This sequence change replaces aspartic acid, which is acidic and polar, with glycine, which is neutral and non-polar, at codon 3393 of the DST protein (p.Asp3393Gly). The DST gene has multiple clinically relevant transcripts. This variant occurs in alternate transcript NM_015548.4, and corresponds to NM_001723.5:c.*89074A>G in the primary transcript.

Clinical Genetics DNA and cytogenetics Diagnostics Lab, Erasmus MC, Erasmus Medical Center
Classification: Uncertain significance for Hereditary sensory and autonomic neuropathy type 6. Last evaluated: 2017-12-11. Review status: criteria provided, single submitter. Criteria: ACGS Guidelines, 2013. Collection method: clinical testing. Allele origin: germline. Affected: yes. Study: VKGL Data-share Consensus.

Clinical Genetics, Academic Medical Center
Classification: Uncertain significance. Review status: no assertion criteria provided. Collection method: clinical testing. Allele origin: germline. Affected: yes. Study: VKGL Data-share Consensus. Not counted in ClinVar's aggregate classification.

NM_001374736.1(DST):c.18047A>G (p.Asp6016Gly)

Gene: DST (dystonin; minus strand). Cytogenetic location: 6p12.1.
Variant type: single nucleotide variant.
Coding change: c.18047A>G on transcript NM_001374736.1 (MANE Select); coding-DNA position 18047, A replaced by G.
Protein change: p.Asp6016Gly; replaces aspartic acid 6016 with glycine.
Molecular consequence: missense variant.
Genome position (GRCh38, 1-based): chr6:56,526,443, T>C on the plus strand (A>G on the coding strand, the complement: DST is on the minus strand). VCF-style: chr6-56526443-T-C. GRCh37 (hg19) VCF-style: chr6-56391241-T-C.
Other names: c.11690A>G, p.Asp3897Gly (NM_001144769.5); c.11276A>G, p.Asp3759Gly (NM_001144770.2); c.18047A>G, p.Asp6016Gly (NM_001374722.1); c.17087A>G, p.Asp5696Gly (NM_001374729.1); c.10829A>G, p.Asp3610Gly (NM_001374730.1); c.18074A>G, p.Asp6025Gly (NM_001374734.1); c.11156A>G, p.Asp3719Gly (NM_001386100.1, NM_183380.4); c.10178A>G, p.Asp3393Gly (NM_015548.5); short protein forms D3393G, D3897G, D3719G, D3759G, D3610G, D5696G, D6016G, D6025G.
Identifiers: ClinVar variation 522339 (VCV000522339.9), dbSNP rs1444942164, ClinGen allele CA364505744.